The following is an entry in ClinVar:

NM_021615.5(CHST6):c.15_16insATGCTGTGCG (p.Val6fs)

Gene: CHST6 (carbohydrate sulfotransferase 6; minus strand). Cytogenetic location: 16q23.1.
Variant type: Insertion.
Coding change: c.15_16insATGCTGTGCG on transcript NM_021615.5 (MANE Select); coding-DNA positions 15 to 16, ATGCTGTGCG inserted.
Protein change: p.Val6fs; shifts the reading frame from valine 6.
Molecular consequence: frameshift variant.
Genome position: GRCh38 VCF-style: chr16-75479813-C-CCGCACAGCAT. GRCh37 (hg19) VCF-style: chr16-75513711-C-CCGCACAGCAT.
Other names: short protein forms V6fs.
Identifiers: ClinVar variation 4710280 (VCV004710280.2).

ClinVar aggregate classification (germline): Pathogenic. Review status: criteria provided, multiple submitters, no conflicts (2 of 4 stars). 2 submissions from 2 submitters: Pathogenic (2). Last evaluated 2025-12-16.

Conditions:
Macular corneal dystrophy (MCD). Also called: GROENOUW TYPE II CORNEAL DYSTROPHY; Macular corneal dystrophy Type I. Identifiers: Orphanet 98969, MedGen C1636149, MONDO:0009020, OMIM 217800.
CHST6-related disorder. Also called: CHST6-related condition.

Submissions (2):

Labcorp Genetics (formerly Invitae), Labcorp
Classification: Pathogenic for Macular corneal dystrophy. Last evaluated: 2025-12-16. Review status: criteria provided, single submitter. Criteria: Invitae Variant Classification Sherloc (09022015). Collection method: clinical testing. Allele origin: germline.
Comment: This sequence change creates a premature translational stop signal (p.Val6Metfs*106) in the CHST6 gene. While this is not anticipated to result in nonsense mediated decay, it is expected to disrupt the last 390 amino acid(s) of the CHST6 protein. This variant is present in population databases (rs772297247, gnomAD 0.003%). This premature translational stop signal has been observed in individual(s) with macular corneal dystrophy (PMID: 11139648). This variant is also known as 10 base insertion between nucleotides 707 and 708. This variant disrupts a region of the CHST6 protein in which other variant(s) (p.Gln298*) have been determined to be pathogenic (PMID: 19365571). This suggests that this is a clinically significant region of the protein, and that variants that disrupt it are likely to be disease-causing. For these reasons, this variant has been classified as Pathogenic.

Blueprint Genetics
Classification: Pathogenic for CHST6-related disorders. Last evaluated: 2023-11-21. Review status: criteria provided, single submitter. Criteria: ACMG Guidelines, 2015. Collection method: clinical testing. Allele origin: germline. Affected: yes. Observed: 5 variant alleles.

Literature cited by the submitters: PubMed 11139648 (cited by Labcorp Genetics (formerly Invitae), Labcorp); PubMed 19365571 (cited by Labcorp Genetics (formerly Invitae), Labcorp).